The following is an entry in ClinVar:

ClinVar aggregate classification (germline): Uncertain significance (1 of 4 stars; one submission).

Conditions:
Renal cell carcinoma. Identifiers: Orphanet 217071, MedGen C0007134, MeSH D002292, MONDO:0005086, HP:0005584.

Submission:

Labcorp Genetics (formerly Invitae), Labcorp
Classification: Uncertain significance for Renal cell carcinoma. Last evaluated: 2025-08-13. Review status: criteria provided, single submitter. Criteria: Invitae Variant Classification Sherloc (09022015). Collection method: clinical testing. Allele origin: germline.
Comment: This sequence change falls in intron 12 of the MET gene. It does not directly change the encoded amino acid sequence of the MET protein. It affects a nucleotide within the consensus splice site. This variant is not present in population databases (gnomAD no frequency). This variant has not been reported in the literature in individuals affected with MET-related conditions. Variants that disrupt the consensus splice site are a relatively common cause of aberrant splicing (PMID: 17576681, 9536098). Algorithms developed to predict the effect of sequence changes on RNA splicing suggest that this variant is not likely to affect RNA splicing. In summary, the available evidence is currently insufficient to determine the role of this variant in disease. Therefore, it has been classified as a Variant of Uncertain Significance.

Literature cited by the submitters: PubMed 17576681; PubMed 9536098.

NM_000245.4(MET):c.2730+4G>T

Gene: MET (MET proto-oncogene, receptor tyrosine kinase; plus strand). Cytogenetic location: 7q31.2.
Variant type: single nucleotide variant.
Coding change: c.2730+4G>T on transcript NM_000245.4 (MANE Select); 4 bases into the intron after coding-DNA position 2730, G replaced by T.
Molecular consequence: intron variant. On other transcripts: nonsense (1).
Genome position (GRCh38, 1-based): chr7:116,769,795, G>T. VCF-style: chr7-116769795-G-T. GRCh37 (hg19) VCF-style: chr7-116409849-G-T.
Other names: c.2734G>T, p.Gly912Ter (NM_001324401.3); c.2784+4G>T (NM_001127500.3); c.1440+4G>T (NM_001324402.2); short protein forms G912*.
Identifiers: ClinVar variation 4727988 (VCV004727988.1).